The following is an entry in ClinVar:

NM_001129.5(AEBP1):c.1647C>T (p.Tyr549=)

Gene: AEBP1 (AE binding protein 1; plus strand). Cytogenetic location: 7p13.
Variant type: single nucleotide variant.
Coding change: c.1647C>T on transcript NM_001129.5 (MANE Select); coding-DNA position 1647, C replaced by T.
Protein change: p.Tyr549=; no amino-acid change (tyrosine 549 retained).
Molecular consequence: synonymous variant.
Genome position (GRCh38, 1-based): chr7:44,111,170, C>T. VCF-style: chr7-44111170-C-T. GRCh37 (hg19) VCF-style: chr7-44150769-C-T.
Other names: c.1647C>T (NM_001129.4).
Identifiers: ClinVar variation 2657423 (VCV002657423.30), dbSNP rs146802668, ClinGen allele CA4237956.

ClinVar aggregate classification (germline): Likely benign. Review status: criteria provided, multiple submitters, no conflicts (2 of 4 stars). 5 submissions from 5 submitters: Likely benign (5). Last evaluated 2026-04-29.

Conditions:
AEBP1-related disorder. Also called: AEBP1-related condition.

Allele frequency attached by ClinVar (database versions not stated): TOPMed 0.00004; ExAC 0.00005; gnomAD 0.00005; ESP Exome Variant Server 0.00008.
gnomAD v4.1: 38 of 1,532,676 alleles (0.0025%); highest among the groups gnomAD compares: South Asian, 0.023%; no homozygotes.

Submissions (5):

PreventionGenetics, part of Exact Sciences
Classification: Likely benign for AEBP1-related condition. Last evaluated: 2026-04-29. Review status: criteria provided, single submitter. Criteria: ACMG Guidelines, 2015. Collection method: clinical testing. Allele origin: germline.
Comment: This variant is classified as likely benign based on ACMG/AMP sequence variant interpretation guidelines (Richards et al. 2015 PMID: 25741868, with internal and published modifications).

Women's Health and Genetics/Laboratory Corporation of America, LabCorp
Classification: Likely benign. Last evaluated: 2026-04-13. Review status: criteria provided, single submitter. Criteria: LabCorp Variant Classification Summary - May 2015. Collection method: clinical testing. Allele origin: germline.

Labcorp Genetics (formerly Invitae), Labcorp
Classification: Likely benign. Last evaluated: 2025-11-01. Review status: criteria provided, single submitter. Criteria: Invitae Variant Classification Sherloc (09022015). Collection method: clinical testing. Allele origin: germline.

CeGaT Center for Human Genetics Tuebingen
Classification: Likely benign. Last evaluated: 2024-04-01. Review status: criteria provided, single submitter. Criteria: CeGaT Center For Human Genetics Tuebingen Variant Classification Criteria Version 2. Collection method: clinical testing. Allele origin: germline. Affected: yes. Observed: 2 variant alleles.
Comment: AEBP1: BP4, BP7

Blueprint Genetics
Classification: Likely benign. Last evaluated: 2022-09-20. Review status: criteria provided, single submitter. Criteria: ACMG Guidelines, 2015. Collection method: clinical testing. Allele origin: germline.